The following is an entry in ClinVar:

ClinVar aggregate classification (germline): Uncertain significance (1 of 4 stars; one submission).

Conditions:
Cornelia de Lange syndrome 1 (CDLS1). Also called: TYPUS DEGENERATIVUS AMSTELODAMENSIS; Brachmann de Lange syndrome; NIPBL-Related Cornelia de Lange Syndrome. Identifiers: Orphanet 199, MedGen C4551851, MONDO:0007387, OMIM 122470.

Allele frequency attached by ClinVar (database versions not stated): gnomAD exomes below 0.00001.
gnomAD v4.1: 1 of 1,614,082 alleles (0.000062%); highest among the groups gnomAD compares: Non-Finnish European, 0.000085%; no homozygotes.

Submission:

Labcorp Genetics (formerly Invitae), Labcorp
Classification: Uncertain significance for Cornelia de Lange syndrome 1. Last evaluated: 2023-03-09. Review status: criteria provided, single submitter. Criteria: Invitae Variant Classification Sherloc (09022015). Collection method: clinical testing. Allele origin: germline.
Comment: This variant has not been reported in the literature in individuals affected with NIPBL-related conditions. This variant is not present in population databases (gnomAD no frequency). This sequence change replaces glutamic acid, which is acidic and polar, with aspartic acid, which is acidic and polar, at codon 2288 of the NIPBL protein (p.Glu2288Asp). Advanced modeling of protein sequence and biophysical properties (such as structural, functional, and spatial information, amino acid conservation, physicochemical variation, residue mobility, and thermodynamic stability) has been performed at Invitae for this missense variant, however the output from this modeling did not meet the statistical confidence thresholds required to predict the impact of this variant on NIPBL protein function. In summary, the available evidence is currently insufficient to determine the role of this variant in disease. Therefore, it has been classified as a Variant of Uncertain Significance.

NM_133433.4(NIPBL):c.6864G>T (p.Glu2288Asp)

Gene: NIPBL (NIPBL cohesin loading factor; plus strand). Cytogenetic location: 5p13.2.
Variant type: single nucleotide variant.
Coding change: c.6864G>T on transcript NM_133433.4 (MANE Select); coding-DNA position 6864, G replaced by T.
Protein change: p.Glu2288Asp; replaces glutamic acid 2288 with aspartic acid.
Molecular consequence: missense variant.
Genome position (GRCh38, 1-based): chr5:37,049,211, G>T. VCF-style: chr5-37049211-G-T. GRCh37 (hg19) VCF-style: chr5-37049313-G-T.
Other names: c.6864G>T, p.Glu2288Asp (NM_015384.5); short protein forms E2288D.
Identifiers: ClinVar variation 2834909 (VCV002834909.3), dbSNP rs2478624643, ClinGen allele CA359508920.